The following is an entry in ClinVar:

NM_174912.4(FAAH2):c.445C>T (p.Arg149Cys)

Gene: FAAH2 (fatty acid amide hydrolase 2; plus strand). Cytogenetic location: Xp11.21.
Variant type: single nucleotide variant.
Coding change: c.445C>T on transcript NM_174912.4 (MANE Select); coding-DNA position 445, C replaced by T.
Protein change: p.Arg149Cys; replaces arginine 149 with cysteine.
Molecular consequence: missense variant. On other transcripts: non-coding transcript variant (2), intron variant (1).
Genome position (GRCh38, 1-based): chrX:57,331,630, C>T. VCF-style: chrX-57331630-C-T. GRCh37 (hg19) VCF-style: chrX-57358063-C-T.
Other names: c.445C>T, p.Arg149Cys (NM_001353840.1); c.413-9641C>T (NM_001353841.1); short protein forms R149C.
Identifiers: ClinVar variation 2660715 (VCV002660715.24), dbSNP rs184337210, ClinGen allele CA10430612.
Genomic context (GRCh38, chrX:57,331,630, plus strand): 5'-TAAACATTCTTTTCTGTGACTCTTTTAGGAATGCCCAATTCTTCTGGACTCATGAACCGT[C>T]GTGATGCCATTGCCAAAACAGATGCCACTGTGGTGGCATTACTGAAGGGAGCTGGTGCCA-3'
Protein context (NP_777572.2, residues 139-159): MPNSSGLMNR[Arg149Cys]DAIAKTDATV

ClinVar aggregate classification (germline): Likely benign (1 of 4 stars; one submission).

Allele frequency attached by ClinVar (database versions not stated): TOPMed 0.00012; ExAC 0.00015; gnomAD 0.00017; gnomAD exomes 0.00022; 1000 Genomes Project 30x 0.00042; 1000 Genomes Project 0.00053.
gnomAD v4.1: 264 of 1,209,583 alleles (0.022%); highest among the groups gnomAD compares: East Asian, 0.54%; 1 homozygote.

Submission:

CeGaT Center for Human Genetics Tuebingen
Classification: Likely benign. Last evaluated: 2022-11-01. Review status: criteria provided, single submitter. Criteria: CeGaT Center For Human Genetics Tuebingen Variant Classification Criteria Version 2. Collection method: clinical testing. Allele origin: germline. Affected: yes. Observed: 1 variant allele.
Comment: FAAH2: BS2